The following is an entry in ClinVar:

NM_001367949.2(FAT3):c.1371G>A (p.Gln457=)

Gene: FAT3 (FAT atypical cadherin 3; plus strand). Cytogenetic location: 11q14.3.
Variant type: single nucleotide variant.
Coding change: c.1371G>A on transcript NM_001367949.2 (MANE Select); coding-DNA position 1371, G replaced by A.
Protein change: p.Gln457=; no amino-acid change (glutamine 457 retained).
Molecular consequence: synonymous variant.
Genome position (GRCh38, 1-based): chr11:92,353,483, G>A. VCF-style: chr11-92353483-G-A. GRCh37 (hg19) VCF-style: chr11-92086649-G-A.
Other names: c.1371G>A, p.Gln457= (NM_001008781.3, NM_001378141.1).
Identifiers: ClinVar variation 3056107 (VCV003056107.2), dbSNP rs10830903, ClinGen allele CA6226291.

ClinVar aggregate classification (germline): Benign (0 of 4 stars; one submission).

Conditions:
FAT3-related disorder. Also called: FAT3-related condition.

Allele frequency attached by ClinVar (database versions not stated): ExAC 0.04595; 1000 Genomes Project 0.05032; 1000 Genomes Project 30x 0.05543; gnomAD exomes 0.05566; gnomAD 0.07490; ESP Exome Variant Server 0.07747; TOPMed 0.07949.
gnomAD v4.1: 92,643 of 1,613,216 alleles (5.7%); highest among the groups gnomAD compares: African/African-American, 14%; 3,275 homozygotes.

Submission:

PreventionGenetics, part of Exact Sciences
Classification: Benign for FAT3-related condition. Last evaluated: 2019-12-09. Review status: no assertion criteria provided. Collection method: clinical testing. Allele origin: germline.
Comment: This variant is classified as benign based on ACMG/AMP sequence variant interpretation guidelines (Richards et al. 2015 PMID: 25741868, with internal and published modifications).